The following is an entry in ClinVar:

ClinVar aggregate classification (germline): Uncertain significance. Review status: criteria provided, multiple submitters, no conflicts (2 of 4 stars). 2 submissions from 2 submitters: Uncertain significance (2). Last evaluated 2023-04-13.

Conditions:
Familial acute necrotizing encephalopathy (IIAE3). Also called: Susceptibility to Acute Necrotizing Encephalopathy 1; ENCEPHALOPATHY, ACUTE, INFECTION-INDUCED, SUSCEPTIBILITY TO, 3. Identifiers: Orphanet 88619, MedGen C2675556, MONDO:0011953, OMIM 608033.

Allele frequency attached by ClinVar (database versions not stated): gnomAD 0.00001; TOPMed 0.00002.
gnomAD v4.1: 1 of 1,611,844 alleles (0.000062%); highest among the groups gnomAD compares: African/African-American, 0.0013%; no homozygotes.

Submissions (2):

Ambry Genetics
Classification: Uncertain significance. Last evaluated: 2023-04-13. Review status: criteria provided, single submitter. Criteria: Ambry Variant Classification Scheme 2023. Collection method: clinical testing. Allele origin: germline.

Labcorp Genetics (formerly Invitae), Labcorp
Classification: Uncertain significance for Familial acute necrotizing encephalopathy. Last evaluated: 2022-01-14. Review status: criteria provided, single submitter. Criteria: Invitae Variant Classification Sherloc (09022015). Collection method: clinical testing. Allele origin: germline.
Comment: In summary, the available evidence is currently insufficient to determine the role of this variant in disease. Therefore, it has been classified as a Variant of Uncertain Significance. Algorithms developed to predict the effect of missense changes on protein structure and function output the following: SIFT: "Deleterious"; PolyPhen-2: "Benign"; Align-GVGD: "Class C65". The isoleucine amino acid residue is found in multiple mammalian species, which suggests that this missense change does not adversely affect protein function. ClinVar contains an entry for this variant (Variation ID: 469486). This variant has not been reported in the literature in individuals affected with RANBP2-related conditions. This variant is not present in population databases (gnomAD no frequency). This sequence change replaces threonine, which is neutral and polar, with isoleucine, which is neutral and non-polar, at codon 249 of the RANBP2 protein (p.Thr249Ile).

NM_006267.5(RANBP2):c.746C>T (p.Thr249Ile)

Gene: RANBP2 (RAN binding protein 2; plus strand). Cytogenetic location: 2q13.
Variant type: single nucleotide variant.
Coding change: c.746C>T on transcript NM_006267.5 (MANE Select); coding-DNA position 746, C replaced by T.
Protein change: p.Thr249Ile; replaces threonine 249 with isoleucine.
Molecular consequence: missense variant.
Genome position (GRCh38, 1-based): chr2:108,736,213, C>T. VCF-style: chr2-108736213-C-T. GRCh37 (hg19) VCF-style: chr2-109352669-C-T.
Other names: short protein forms T249I.
Identifiers: ClinVar variation 469486 (VCV000469486.8), dbSNP rs769368705, ClinGen allele CA348041923.